The following is an entry in ClinVar:

ClinVar aggregate classification (germline): Pathogenic. Review status: reviewed by expert panel (3 of 4 stars). 2 submissions from 2 submitters: Pathogenic (1). 1 of the submissions does not count toward it. Last evaluated 2016-09-08.

Conditions:
Breast-ovarian cancer, familial, susceptibility to, 2 (BROVCA2). Also called: BRCA2 Hereditary Breast and Ovarian Cancer. Identifiers: Orphanet 145, MedGen C2675520, MONDO:0012933, OMIM 612555. Disease mechanism: loss of function.

Submissions (2):

Evidence-based Network for the Interpretation of Germline Mutant Alleles (ENIGMA)
Classification: Pathogenic for Breast-ovarian cancer, familial, susceptibility to, 2. Last evaluated: 2016-09-08. Review status: reviewed by expert panel. Criteria: ENIGMA BRCA1/2 Classification Criteria (2015). Collection method: curation. Allele origin: germline.
Comment: Variant allele predicted to encode a truncated non-functional protein.

Sharing Clinical Reports Project (SCRP)
Classification: Pathogenic for Breast-ovarian cancer, familial 2. Last evaluated: 2010-07-08. Review status: no assertion criteria provided. Collection method: clinical testing. Allele origin: germline. Not counted in ClinVar's aggregate classification.

NM_000059.4(BRCA2):c.2370del (p.Glu790fs)

Gene: BRCA2 (BRCA2 DNA repair associated; plus strand). Cytogenetic location: 13q13.1.
Variant type: Deletion.
Coding change: c.2370del on transcript NM_000059.4 (MANE Select); coding-DNA position 2370, one base deleted (A; older notation c.2370delA).
Protein change: p.Glu790fs; shifts the reading frame from glutamic acid 790.
Molecular consequence: frameshift variant.
Genome position (GRCh38, 1-based): chr13:32,336,725, A deleted; the last of 2 consecutive A bases (chr13:32,336,724-32,336,725); deleting either gives the same sequence. VCF-style (leftmost placement, unchanged base first): chr13-32336723-GA-G. GRCh37 (hg19) VCF-style: chr13-32910860-GA-G.
Other names: 2598delA; c.2370delA (NM_000059.3); short protein forms E790fs.
Identifiers: ClinVar variation 91777 (VCV000091777.2), dbSNP rs398122747, ClinGen allele CA015057.